The following is an entry in ClinVar:

ClinVar aggregate classification (germline): Uncertain significance. Review status: criteria provided, multiple submitters, no conflicts (2 of 4 stars). 3 submissions from 3 submitters: Uncertain significance (3). Last evaluated 2026-06-01.

Conditions:
Cryopyrin associated periodic syndrome (CAPS). Identifiers: Orphanet 208650, MedGen C2316212, MONDO:0016168.

Allele frequency attached by ClinVar (database versions not stated): gnomAD exomes 0.00002 and 0.00005; ExAC 0.00006; gnomAD 0.00013 and 0.00015; TOPMed 0.00022; ESP Exome Variant Server 0.00031.
gnomAD v4.1: 53 of 1,614,164 alleles (0.0033%); highest among the groups gnomAD compares: African/African-American, 0.044%; no homozygotes.

Submissions (3):

CeGaT Center for Human Genetics Tuebingen
Classification: Uncertain significance. Last evaluated: 2026-06-01. Review status: criteria provided, single submitter. Criteria: CeGaT Center For Human Genetics Tuebingen Variant Classification Criteria Version 2. Collection method: clinical testing. Allele origin: germline. Affected: yes. Observed: 1 variant allele.
Comment: NLRP3: PM1:Supporting

Labcorp Genetics (formerly Invitae), Labcorp
Classification: Uncertain significance for Cryopyrin associated periodic syndrome. Last evaluated: 2025-11-13. Review status: criteria provided, single submitter. Criteria: Invitae Variant Classification Sherloc (09022015). Collection method: clinical testing. Allele origin: germline.
Comment: This sequence change replaces arginine, which is basic and polar, with glutamine, which is neutral and polar, at codon 675 of the NLRP3 protein (p.Arg675Gln). This variant is present in population databases (rs142651552, gnomAD 0.07%), and has an allele count higher than expected for a pathogenic variant. This missense change has been observed in individual(s) with periodic fever (PMID: 25866490). This variant is also known as rs142651552/c.2024G>A Q705K, however, it is likely that the reported protein effect of Q705K is an error. ClinVar contains an entry for this variant (Variation ID: 944138). Invitae Evidence Modeling of protein sequence and biophysical properties (such as structural, functional, and spatial information, amino acid conservation, physicochemical variation, residue mobility, and thermodynamic stability) has been performed for this missense variant. However, the output from this modeling did not meet the statistical confidence thresholds required to predict the impact of this variant on NLRP3 protein function. In summary, the available evidence is currently insufficient to determine the role of this variant in disease. Therefore, it has been classified as a Variant of Uncertain Significance.

GeneDx
Classification: Uncertain significance. Last evaluated: 2025-01-15. Review status: criteria provided, single submitter. Criteria: GeneDx Variant Classification Process June 2021. Collection method: clinical testing. Allele origin: germline. Affected: yes.
Comment: Reported in patients with periodic fever in published literature; however, some patients harbored variants in other genes. Additionally, variant was incorrectly reported using the protein nomenclature p.(Q705K) (PMID: 25866490); In silico analysis indicates that this missense variant does not alter protein structure/function; Also known as p.(R673Q); This variant is associated with the following publications: (PMID: 35547205, 25866490)

Literature cited by the submitters: PubMed 25866490 (cited by Labcorp Genetics (formerly Invitae), Labcorp).

NM_001243133.2(NLRP3):c.2018G>A (p.Arg673Gln)

Gene: NLRP3 (NLR family pyrin domain containing 3; plus strand). Cytogenetic location: 1q44.
Variant type: single nucleotide variant.
Coding change: c.2018G>A on transcript NM_001243133.2 (MANE Select); coding-DNA position 2018, G replaced by A.
Protein change: p.Arg673Gln; replaces arginine 673 with glutamine.
Molecular consequence: missense variant.
Genome position (GRCh38, 1-based): chr1:247,425,467, G>A. VCF-style: chr1-247425467-G-A. GRCh37 (hg19) VCF-style: chr1-247588769-G-A.
Other names: c.2018G>A, p.Arg673Gln (NM_001079821.3, NM_001127461.3, NM_001127462.3 and 1 more transcripts); c.2024G>A, p.Arg675Gln (NM_004895.5); short protein forms R673Q, R675Q.
Identifiers: ClinVar variation 944138 (VCV000944138.13), dbSNP rs142651552, ClinGen allele CA1495099.